The following is an entry in ClinVar:

NM_024652.6(LRRK1):c.755G>A (p.Gly252Glu)

Gene: LRRK1 (leucine rich repeat kinase 1; plus strand). Cytogenetic location: 15q26.3.
Variant type: single nucleotide variant.
Coding change: c.755G>A on transcript NM_024652.6 (MANE Select); coding-DNA position 755, G replaced by A.
Protein change: p.Gly252Glu; replaces glycine 252 with glutamic acid.
Molecular consequence: missense variant.
Genome position (GRCh38, 1-based): chr15:100,989,391, G>A. VCF-style: chr15-100989391-G-A. GRCh37 (hg19) VCF-style: chr15-101529596-G-A.
Other names: short protein forms G252E.
Identifiers: ClinVar variation 2013446 (VCV002013446.4), dbSNP rs2505716807, ClinGen allele CA393952541.

ClinVar aggregate classification (germline): Uncertain significance (1 of 4 stars; one submission).

Allele frequency attached by ClinVar (database versions not stated): gnomAD exomes below 0.00001.
gnomAD v4.1: 1 of 1,614,082 alleles (0.000062%); highest among the groups gnomAD compares: Non-Finnish European, 0.000085%; no homozygotes.

Submission:

Labcorp Genetics (formerly Invitae), Labcorp
Classification: Uncertain significance. Last evaluated: 2021-11-28. Review status: criteria provided, single submitter. Criteria: Invitae Variant Classification Sherloc (09022015). Collection method: clinical testing. Allele origin: germline.
Comment: In summary, the available evidence is currently insufficient to determine the role of this variant in disease. Therefore, it has been classified as a Variant of Uncertain Significance. This sequence change replaces glycine, which is neutral and non-polar, with glutamic acid, which is acidic and polar, at codon 252 of the LRRK1 protein (p.Gly252Glu). This variant is not present in population databases (gnomAD no frequency). This variant has not been reported in the literature in individuals affected with LRRK1-related conditions. Algorithms developed to predict the effect of missense changes on protein structure and function (SIFT, PolyPhen-2, Align-GVGD) all suggest that this variant is likely to be tolerated.